The following is an entry in ClinVar:

NM_001253697.2(ERBIN):c.4144A>G (p.Ser1382Gly)

Gene: ERBIN (erbb2 interacting protein; plus strand). Cytogenetic location: 5q12.3.
Variant type: single nucleotide variant.
Coding change: c.4144A>G on transcript NM_001253697.2 (MANE Select); coding-DNA position 4144, A replaced by G.
Protein change: p.Ser1382Gly; replaces serine 1382 with glycine.
Molecular consequence: missense variant.
Genome position (GRCh38, 1-based): chr5:66,078,435, A>G. VCF-style: chr5-66078435-A-G. GRCh37 (hg19) VCF-style: chr5-65374263-A-G.
Other names: c.3814A>G, p.Ser1272Gly (NM_001006600.3); c.3946A>G, p.Ser1316Gly (NM_001253698.2); c.4165A>G, p.Ser1389Gly (NM_001253699.2); c.4009A>G, p.Ser1337Gly (NM_001253701.2); c.4021A>G, p.Ser1341Gly (NM_018695.4); c.4021A>G (NM_018695.2); short protein forms S1337G, S1341G, S1272G, S1382G, S1389G, S1316G.
Identifiers: ClinVar variation 2992225 (VCV002992225.4), dbSNP rs2546894853, ClinGen allele CA359871768.

ClinVar aggregate classification (germline): Uncertain significance. Review status: criteria provided, multiple submitters, no conflicts (2 of 4 stars). 2 submissions from 2 submitters: Uncertain significance (2). Last evaluated 2025-12-15.

Submissions (2):

Ambry Genetics
Classification: Uncertain significance. Last evaluated: 2025-12-15. Review status: criteria provided, single submitter. Criteria: Ambry Variant Classification Scheme 2023. Collection method: clinical testing. Allele origin: germline.

Labcorp Genetics (formerly Invitae), Labcorp
Classification: Uncertain significance. Last evaluated: 2024-04-11. Review status: criteria provided, single submitter. Criteria: Invitae Variant Classification Sherloc (09022015). Collection method: clinical testing. Allele origin: germline.
Comment: This sequence change replaces serine, which is neutral and polar, with glycine, which is neutral and non-polar, at codon 1382 of the ERBIN protein (p.Ser1382Gly). This variant is not present in population databases (gnomAD no frequency). This variant has not been reported in the literature in individuals affected with ERBIN-related conditions. An algorithm developed to predict the effect of missense changes on protein structure and function (PolyPhen-2) suggests that this variant is likely to be disruptive. In summary, the available evidence is currently insufficient to determine the role of this variant in disease. Therefore, it has been classified as a Variant of Uncertain Significance.